The following is an entry in ClinVar:

ClinVar aggregate classification (germline): Uncertain significance (1 of 4 stars; one submission).

Submission:

Ambry Genetics
Classification: Uncertain significance. Last evaluated: 2024-10-28. Review status: criteria provided, single submitter. Criteria: Ambry Variant Classification Scheme 2023. Collection method: clinical testing. Allele origin: germline.
Comment: The p.T283S variant (also known as c.847A>T), located in coding exon 6 of the PKP4 gene, results from an A to T substitution at nucleotide position 847. The threonine at codon 283 is replaced by serine, an amino acid with similar properties. This amino acid position is conserved. In addition, this alteration is predicted to be tolerated by in silico analysis. Based on the available evidence, the clinical significance of this variant remains unclear.

NM_003628.6(PKP4):c.847A>T (p.Thr283Ser)

Gene: PKP4 (plakophilin 4; plus strand). Cytogenetic location: 2q24.1.
Variant type: single nucleotide variant.
Coding change: c.847A>T on transcript NM_003628.6 (MANE Select); coding-DNA position 847, A replaced by T.
Protein change: p.Thr283Ser; replaces threonine 283 with serine.
Molecular consequence: missense variant. On other transcripts: 5 prime UTR variant (1).
Genome position (GRCh38, 1-based): chr2:158,625,121, A>T. VCF-style: chr2-158625121-A-T. GRCh37 (hg19) VCF-style: chr2-159481633-A-T.
Other names: c.847A>T, p.Thr283Ser (NM_001005476.4, NM_001304969.3, NM_001304971.2 and 6 more transcripts); c.-180A>T (NM_001304970.3); c.841A>T, p.Thr281Ser (NM_001377222.1, NM_001377223.1, NM_001377224.1); short protein forms T283S, T281S.
Identifiers: ClinVar variation 3419627 (VCV003419627.1).
Genomic context (GRCh38, chr2:158,625,121, plus strand): 5'-TCCACCACATTACCTGCTGCACGGGCAGCCTCTCCGTACTCACAGAGACCCGCCTCCCCA[A>T]CAGCTATACGGCGGATTGGGTCAGTCACCTCCCGGCAGACCTCCAATCCCAACGGACCAA-3'
Protein context (NP_003619.2, residues 273-293): SPYSQRPASP[Thr283Ser]AIRRIGSVTS